The following is an entry in ClinVar:

NM_145290.4(ADGRA3):c.2164A>G (p.Ile722Val)

Gene: ADGRA3 (adhesion G protein-coupled receptor A3; minus strand). Cytogenetic location: 4p15.2.
Variant type: single nucleotide variant.
Coding change: c.2164A>G on transcript NM_145290.4 (MANE Select); coding-DNA position 2164, A replaced by G.
Protein change: p.Ile722Val; replaces isoleucine 722 with valine.
Molecular consequence: missense variant.
Genome position (GRCh38, 1-based): chr4:22,413,250, T>C on the plus strand (A>G on the coding strand, the complement: ADGRA3 is on the minus strand). VCF-style: chr4-22413250-T-C. GRCh37 (hg19) VCF-style: chr4-22414873-T-C.
Other names: c.2164A>G (NM_145290.2); short protein forms I722V.
Identifiers: ClinVar variation 1047361 (VCV001047361.9), dbSNP rs140116910, ClinGen allele CA2873723.

ClinVar aggregate classification (germline): Uncertain significance. Review status: criteria provided, multiple submitters, no conflicts (2 of 4 stars). 2 submissions from 2 submitters: Uncertain significance (2). Last evaluated 2025-04-17.

Allele frequency attached by ClinVar (database versions not stated): ESP Exome Variant Server 0.00015; gnomAD exomes 0.00001; ExAC 0.00002; gnomAD 0.00003; TOPMed 0.00005.
gnomAD v4.1: 21 of 1,614,008 alleles (0.0013%); highest among the groups gnomAD compares: Non-Finnish European, 0.0018%; no homozygotes.

Submissions (2):

Labcorp Genetics (formerly Invitae), Labcorp
Classification: Uncertain significance. Last evaluated: 2025-04-17. Review status: criteria provided, single submitter. Criteria: Invitae Variant Classification Sherloc (09022015). Collection method: clinical testing. Allele origin: germline.
Comment: This sequence change replaces isoleucine, which is neutral and non-polar, with valine, which is neutral and non-polar, at codon 722 of the ADGRA3 protein (p.Ile722Val). This variant is present in population databases (rs140116910, gnomAD 0.003%). This variant has not been reported in the literature in individuals affected with ADGRA3-related conditions. ClinVar contains an entry for this variant (Variation ID: 1047361). An algorithm developed to predict the effect of missense changes on protein structure and function (PolyPhen-2) suggests that this variant is likely to be disruptive. In summary, the available evidence is currently insufficient to determine the role of this variant in disease. Therefore, it has been classified as a Variant of Uncertain Significance.

Ambry Genetics
Classification: Uncertain significance. Last evaluated: 2022-12-28. Review status: criteria provided, single submitter. Criteria: Ambry Variant Classification Scheme 2023. Collection method: clinical testing. Allele origin: germline.